The following is an entry in ClinVar:

NM_000128.4(F11):c.1685del (p.Gly562fs)

Genes: F11 (coagulation factor XI; plus strand), F11-AS1 (F11 antisense RNA 1; minus strand). Cytogenetic location: 4q35.2.
Variant type: Deletion.
Coding change: c.1685del on transcript NM_000128.4 (MANE Select); coding-DNA position 1685, one base deleted (G; older notation c.1685delG).
Protein change: p.Gly562fs; shifts the reading frame from glycine 562.
Molecular consequence: frameshift variant.
Genome position (GRCh38, 1-based): chr4:186,287,792, G deleted; the last of 2 consecutive G bases (chr4:186,287,791-186,287,792); deleting either gives the same sequence. VCF-style (leftmost placement, unchanged base first): chr4-186287790-CG-C. GRCh37 (hg19) VCF-style: chr4-187208944-CG-C.
Other names: c.1685delG, p.Gly562Alafs (NM_000128.3); short protein forms G562fs.
Identifiers: ClinVar variation 4067796 (VCV004067796.2).

ClinVar aggregate classification (germline): Likely pathogenic (1 of 4 stars; one submission).

Conditions:
Plasma factor XI deficiency.

Submission:

Natera, Inc.
Classification: Likely pathogenic for Plasma factor XI deficiency. Last evaluated: 2025-03-18. Review status: criteria provided, single submitter. Criteria: Natera Variant Classification Schema (03/2026). Collection method: clinical testing. Allele origin: germline.
Comment: The c.1685del variant in F11 is a frameshift variant predicted to shift the reading frame beginning at codon 562 and leads to a stop codon 29 codons downstream. This variant is expected to result in nonsense mediated decay, truncation, or a dysfunctional protein product. This variant is rare in the general population with a frequency below the threshold expected for the associated phenotype(s). Given the available evidence, this variant is classified as Likely Pathogenic.